The following is an entry in ClinVar:

ClinVar aggregate classification (germline): Likely pathogenic (1 of 4 stars; one submission).

Conditions:
Autosomal dominant optic atrophy classic form (OPA1). Also called: KJER-TYPE OPTIC ATROPHY; Optic Atrophy Type 1; OPTIC ATROPHY, JUVENILE. Identifiers: Orphanet 98673, MedGen C0338508, MONDO:0008134, OMIM 165500.

Submission:

3billion
Classification: Likely pathogenic for Autosomal dominant optic atrophy classic form. Last evaluated: 2024-11-18. Review status: criteria provided, single submitter. Criteria: ACMG Guidelines, 2015. Collection method: clinical testing. Allele origin: germline. Affected: yes.
Comment: The variant is not observed in the gnomAD v4.1.0 dataset. Predicted Consequence/Location: Stop-gained (nonsense): predicted to result in a loss or disruption of normal protein function through nonsense-mediated decay (NMD) or protein truncation. Multiple pathogenic variants are reported downstream of the variant. Therefore, this variant is classified as Likely pathogenic according to the recommendation of ACMG/AMP guideline.

NM_130837.3(OPA1):c.1811C>A (p.Ser604Ter)

Genes: OPA1 (OPA1 mitochondrial dynamin like GTPase; plus strand), LOC126806913 (BRD4-independent group 4 enhancer GRCh37_chr3:193364377-193365576; plus strand). Cytogenetic location: 3q29.
Variant type: single nucleotide variant.
Coding change: c.1811C>A on transcript NM_130837.3 (MANE Select); coding-DNA position 1811, C replaced by A.
Protein change: p.Ser604Ter; replaces serine 604 with a stop codon.
Molecular consequence: nonsense.
Genome position (GRCh38, 1-based): chr3:193,647,121, C>A. VCF-style: chr3-193647121-C-A. GRCh37 (hg19) VCF-style: chr3-193364910-C-A.
Other names: c.1277C>A, p.Ser426Ter (NM_001354663.2); c.1274C>A, p.Ser425Ter (NM_001354664.2); c.1646C>A, p.Ser549Ter (NM_015560.3); c.1538C>A, p.Ser513Ter (NM_130831.3); c.1592C>A, p.Ser531Ter (NM_130832.3); c.1649C>A, p.Ser550Ter (NM_130833.3); c.1700C>A, p.Ser567Ter (NM_130834.3); c.1703C>A, p.Ser568Ter (NM_130835.3); and 1 more; short protein forms S425*, S426*, S513*, S531*, S549*, S550*, S567*, S568*.
Identifiers: ClinVar variation 4291792 (VCV004291792.1).
Genomic context (GRCh38, chr3:193,647,121, plus strand): 5'-ATAGGACAAGCATGCTAAAGGCACACCAAGTGACTACAAGAAATTTAAGCCTTGCAGTAT[C>A]AGACTGCTTTTGGAAAATGGTACGAGAGTCTGTTGAACAACAGGCTGATAGTTTCAAAGG-3'